The following is an entry in ClinVar:

NM_152743.4(BRAT1):c.1748C>T (p.Pro583Leu)

Gene: BRAT1 (BRCA1 associated ATM activator 1; minus strand). Cytogenetic location: 7p22.3.
Variant type: single nucleotide variant.
Coding change: c.1748C>T on transcript NM_152743.4 (MANE Select); coding-DNA position 1748, C replaced by T.
Protein change: p.Pro583Leu; replaces proline 583 with leucine.
Molecular consequence: missense variant. On other transcripts: non-coding transcript variant (1).
Genome position (GRCh38, 1-based): chr7:2,539,201, G>A on the plus strand (C>T on the coding strand, the complement: BRAT1 is on the minus strand). VCF-style: chr7-2539201-G-A. GRCh37 (hg19) VCF-style: chr7-2578835-G-A.
Other names: c.1748C>T, p.Pro583Leu (NM_001350626.2); c.1223C>T, p.Pro408Leu (NM_001350627.2); short protein forms P583L, P408L.
Identifiers: ClinVar variation 579325 (VCV000579325.10), dbSNP rs776324979, ClinGen allele CA4127610.

ClinVar aggregate classification (germline): Uncertain significance. Review status: criteria provided, multiple submitters, no conflicts (2 of 4 stars). 3 submissions from 3 submitters: Uncertain significance (3). Last evaluated 2025-06-02.

Conditions:
Inborn genetic diseases. Identifiers: MedGen C0950123, MeSH D030342.
Neonatal-onset encephalopathy with rigidity and seizures. Also called: Lethal neonatal spasticity-epileptic encephalopathy syndrome. Identifiers: Orphanet 435845, MedGen C3281029, MONDO:0013784, OMIM 614498.

Allele frequency attached by ClinVar (database versions not stated): ExAC 0.00004; TOPMed 0.00008; gnomAD 0.00005.
gnomAD v4.1: 170 of 1,609,062 alleles (0.011%); highest among the groups gnomAD compares: Middle Eastern, 0.022%; no homozygotes.

Submissions (3):

GeneDx
Classification: Uncertain significance. Last evaluated: 2025-06-02. Review status: criteria provided, single submitter. Criteria: GeneDx Variant Classification Process June 2021. Collection method: clinical testing. Allele origin: germline.
Comment: Not observed at significant frequency in large population cohorts (gnomAD); In silico analysis suggests that this missense variant does not alter protein structure/function; Has not been previously published as pathogenic or benign to our knowledge

Ambry Genetics
Classification: Uncertain significance for Inborn genetic diseases. Last evaluated: 2024-10-06. Review status: criteria provided, single submitter. Criteria: Ambry Variant Classification Scheme 2023. Collection method: clinical testing. Allele origin: germline.

Labcorp Genetics (formerly Invitae), Labcorp
Classification: Uncertain significance for Neonatal-onset encephalopathy with rigidity and seizures. Last evaluated: 2022-07-14. Review status: criteria provided, single submitter. Criteria: Invitae Variant Classification Sherloc (09022015). Collection method: clinical testing. Allele origin: germline.
Comment: This sequence change replaces proline, which is neutral and non-polar, with leucine, which is neutral and non-polar, at codon 583 of the BRAT1 protein (p.Pro583Leu). This variant is present in population databases (rs776324979, gnomAD 0.01%). This variant has not been reported in the literature in individuals affected with BRAT1-related conditions. ClinVar contains an entry for this variant (Variation ID: 579325). Algorithms developed to predict the effect of missense changes on protein structure and function are either unavailable or do not agree on the potential impact of this missense change (SIFT: "Deleterious"; PolyPhen-2: "Benign"; Align-GVGD: "Class C0"). In summary, the available evidence is currently insufficient to determine the role of this variant in disease. Therefore, it has been classified as a Variant of Uncertain Significance.